The following is an entry in ClinVar:

ClinVar aggregate classification (germline): Conflicting classifications of pathogenicity. Review status: criteria provided, conflicting classifications (1 of 4 stars). 2 submissions from 2 submitters: Uncertain significance (1); Likely benign (1). Last evaluated 2024-09-25.

Conditions:
Inborn genetic diseases. Identifiers: MedGen C0950123, MeSH D030342.

gnomAD v4.1: 4 of 1,559,484 alleles (0.00026%); highest among the groups gnomAD compares: South Asian, 0.0046%; no homozygotes.

Submissions (2):

Ambry Genetics
Classification: Likely benign for Inborn genetic diseases. Last evaluated: 2024-09-25. Review status: criteria provided, single submitter. Criteria: Ambry Variant Classification Scheme 2023. Collection method: clinical testing. Allele origin: germline.

GeneDx
Classification: Uncertain significance. Last evaluated: 2023-05-18. Review status: criteria provided, single submitter. Criteria: GeneDx Variant Classification Process June 2021. Collection method: clinical testing. Allele origin: germline. Affected: yes.
Comment: In silico analysis supports that this missense variant does not alter protein structure/function; Has not been previously published as pathogenic or benign to our knowledge

NM_018026.4(PACS1):c.158C>T (p.Ala53Val)

Gene: PACS1 (phosphofurin acidic cluster sorting protein 1; plus strand). Cytogenetic location: 11q13.1.
Variant type: single nucleotide variant.
Coding change: c.158C>T on transcript NM_018026.4 (MANE Select); coding-DNA position 158, C replaced by T.
Protein change: p.Ala53Val; replaces alanine 53 with valine.
Molecular consequence: missense variant.
Genome position (GRCh38, 1-based): chr11:66,070,644, C>T. VCF-style: chr11-66070644-C-T. GRCh37 (hg19) VCF-style: chr11-65838115-C-T.
Other names: c.158C>T (NM_018026.2); short protein forms A53V.
Identifiers: ClinVar variation 3343576 (VCV003343576.2).